The following is an entry in ClinVar:

ClinVar aggregate classification (germline): Uncertain significance (1 of 4 stars; one submission).

Allele frequency attached by ClinVar (database versions not stated): ExAC 0.00001; gnomAD 0.00001.
gnomAD v4.1: 7 of 1,613,882 alleles (0.00043%); highest among the groups gnomAD compares: East Asian, 0.013%; no homozygotes.

Submission:

Labcorp Genetics (formerly Invitae), Labcorp
Classification: Uncertain significance. Last evaluated: 2022-09-15. Review status: criteria provided, single submitter. Criteria: Invitae Variant Classification Sherloc (09022015). Collection method: clinical testing. Allele origin: germline.
Comment: This sequence change replaces alanine, which is neutral and non-polar, with threonine, which is neutral and polar, at codon 1237 of the LAMC3 protein (p.Ala1237Thr). This variant is present in population databases (rs759159746, gnomAD 0.02%). In summary, the available evidence is currently insufficient to determine the role of this variant in disease. Therefore, it has been classified as a Variant of Uncertain Significance. Algorithms developed to predict the effect of missense changes on protein structure and function output the following: SIFT: "Tolerated"; PolyPhen-2: "Benign"; Align-GVGD: "Class C0". The threonine amino acid residue is found in multiple mammalian species, which suggests that this missense change does not adversely affect protein function. ClinVar contains an entry for this variant (Variation ID: 1412989). This variant has not been reported in the literature in individuals affected with LAMC3-related conditions.

NM_006059.4(LAMC3):c.3709G>A (p.Ala1237Thr)

Gene: LAMC3 (laminin subunit gamma 3; plus strand). Cytogenetic location: 9q34.12.
Variant type: single nucleotide variant.
Coding change: c.3709G>A on transcript NM_006059.4 (MANE Select); coding-DNA position 3709, G replaced by A.
Protein change: p.Ala1237Thr; replaces alanine 1237 with threonine.
Molecular consequence: missense variant.
Genome position (GRCh38, 1-based): chr9:131,077,266, G>A. VCF-style: chr9-131077266-G-A. GRCh37 (hg19) VCF-style: chr9-133952653-G-A.
Other names: short protein forms A1237T.
Identifiers: ClinVar variation 1412989 (VCV001412989.8), dbSNP rs759159746, ClinGen allele CA5287908.